The following is an entry in ClinVar:

NM_000245.4(MET):c.1484C>G (p.Thr495Arg)

Gene: MET (MET proto-oncogene, receptor tyrosine kinase; plus strand). Cytogenetic location: 7q31.2.
Variant type: single nucleotide variant.
Coding change: c.1484C>G on transcript NM_000245.4 (MANE Select); coding-DNA position 1484, C replaced by G.
Protein change: p.Thr495Arg; replaces threonine 495 with arginine.
Molecular consequence: missense variant.
Genome position (GRCh38, 1-based): chr7:116,740,041, C>G. VCF-style: chr7-116740041-C-G. GRCh37 (hg19) VCF-style: chr7-116380095-C-G.
Other names: c.1484C>G, p.Thr495Arg (NM_001127500.3, NM_001324401.3); c.194C>G, p.Thr65Arg (NM_001324402.2); c.1484C>G (NM_001127500.2); short protein forms T495R, T65R.
Identifiers: ClinVar variation 246625 (VCV000246625.23), dbSNP rs45585831, ClinGen allele CA4448168.

ClinVar aggregate classification (germline): Conflicting classifications of pathogenicity. Review status: criteria provided, conflicting classifications (1 of 4 stars). 6 submissions from 6 submitters: Uncertain significance (5); Likely benign (1). Last evaluated 2025-10-25.

Conditions:
MET-related disorder. Also called: MET-related condition.
Renal cell carcinoma. Identifiers: Orphanet 217071, MedGen C0007134, MeSH D002292, MONDO:0005086, HP:0005584.
Autosomal recessive nonsyndromic hearing loss 97. Also called: Deafness, autosomal recessive 97. Identifiers: Orphanet 90636, MedGen C4084709, MONDO:0014739, OMIM 616705.
Hereditary cancer-predisposing syndrome. Also called: Neoplastic Syndromes, Hereditary; Hereditary neoplastic syndrome; Hereditary Cancer Syndrome; Tumor predisposition. Identifiers: Orphanet 140162, MedGen C0027672, MeSH D009386, MONDO:0015356.
Papillary renal cell carcinoma type 1 (RCCP1). Also called: Renal adenocarcinoma; Renal cell carcinoma 1; Renal cell carcinoma, somatic; RENAL CELL CARCINOMA, PAPILLARY, 1, SOMATIC. Identifiers: Orphanet 47044, MedGen C1336839, OMIM 605074, HP:0011797.

Allele frequency attached by ClinVar (database versions not stated): gnomAD exomes below 0.00001; ExAC 0.00001; gnomAD 0.00001.

Submissions (6):

Labcorp Genetics (formerly Invitae), Labcorp
Classification: Uncertain significance for Renal cell carcinoma. Last evaluated: 2025-10-25. Review status: criteria provided, single submitter. Criteria: Invitae Variant Classification Sherloc (09022015). Collection method: clinical testing. Allele origin: germline.
Comment: This sequence change replaces threonine, which is neutral and polar, with arginine, which is basic and polar, at codon 495 of the MET protein (p.Thr495Arg). This variant is present in population databases (rs45585831, gnomAD 0.006%). This missense change has been observed in individual(s) with parathyroid cancer (PMID: 30093976). ClinVar contains an entry for this variant (Variation ID: 246625). An algorithm developed to predict the effect of missense changes on protein structure and function (PolyPhen-2) suggests that this variant is likely to be tolerated. In summary, the available evidence is currently insufficient to determine the role of this variant in disease. Therefore, it has been classified as a Variant of Uncertain Significance.

PreventionGenetics, part of Exact Sciences
Classification: Uncertain significance for MET-related condition. Last evaluated: 2025-09-23. Review status: criteria provided, single submitter. Criteria: ACMG Guidelines, 2015. Collection method: clinical testing. Allele origin: germline.
Comment: The MET c.1484C>G variant is predicted to result in the amino acid substitution p.Thr495Arg. This variant was reported in an individual with parathyroid cancer (Chan et al. 2018. PubMed ID: 30093976). This variant is reported in 0.0056% of alleles in individuals of East Asian descent in gnomAD and is classified as uncertain by the majority of submitters in ClinVar (Variation ID: 246625). At this time, the clinical significance of this variant is uncertain due to the absence of conclusive functional and genetic evidence.

Ambry Genetics
Classification: Likely benign for Hereditary cancer-predisposing syndrome. Last evaluated: 2024-04-12. Review status: criteria provided, single submitter. Criteria: Ambry Variant Classification Scheme 2023. Collection method: clinical testing. Allele origin: germline.

Baylor Genetics
Classification: Uncertain significance for Autosomal recessive nonsyndromic hearing loss 97. Last evaluated: 2023-10-10. Review status: criteria provided, single submitter. Criteria: ACMG Guidelines, 2015. Collection method: clinical testing. Allele origin: unknown.

GeneDx
Classification: Uncertain significance. Last evaluated: 2022-08-05. Review status: criteria provided, single submitter. Criteria: GeneDx Variant Classification Process June 2021. Collection method: clinical testing. Allele origin: germline. Affected: yes.
Comment: Not observed at a significant frequency in large population cohorts (gnomAD); In silico analysis supports that this missense variant does not alter protein structure/function; Observed in an individual with parathyroid cancer (Chan et al., 2018); This variant is associated with the following publications: (PMID: 30093976)

Illumina Laboratory Services, Illumina
Classification: Uncertain significance for Papillary renal cell carcinoma type 1. Last evaluated: 2018-01-13. Review status: criteria provided, single submitter. Criteria: ICSL Variant Classification Criteria 13 December 2019. Collection method: clinical testing. Allele origin: germline.

Literature cited by the submitters: PubMed 30093976 (cited by Labcorp Genetics (formerly Invitae), Labcorp and Ambry Genetics).